The following is an entry in ClinVar:

ClinVar aggregate classification (germline): Uncertain significance. Review status: criteria provided, multiple submitters, no conflicts (2 of 4 stars). 4 submissions from 4 submitters: Uncertain significance (3). 1 of the submissions does not count toward it. Last evaluated 2025-07-03.

Conditions:
Hereditary cancer-predisposing syndrome. Also called: Tumor predisposition; Hereditary neoplastic syndrome; Hereditary Cancer Syndrome; Neoplastic Syndromes, Hereditary. Identifiers: Orphanet 140162, MedGen C0027672, MeSH D009386, MONDO:0015356.
Gastrointestinal stromal tumor. Also called: Gastrointestinal stromal tumor, somatic; Gastrointestinal stroma tumor. Identifiers: Orphanet 44890, MedGen C0238198, MeSH D046152, MONDO:0011719, OMIM 606764, HP:0100723.

Allele frequency attached by ClinVar (database versions not stated): gnomAD exomes 0.00001; TOPMed 0.00001; ExAC 0.00002.
gnomAD v4.1: 13 of 1,614,146 alleles (0.00081%); highest among the groups gnomAD compares: East Asian, 0.0022%; no homozygotes.

Submissions (4):

Ambry Genetics
Classification: Uncertain significance for Hereditary cancer-predisposing syndrome. Last evaluated: 2025-07-03. Review status: criteria provided, single submitter. Criteria: Ambry Variant Classification Scheme 2023. Collection method: clinical testing. Allele origin: germline.
Comment: The p.I571V variant (also known as c.1711A>G), located in coding exon 11 of the KIT gene, results from an A to G substitution at nucleotide position 1711. The isoleucine at codon 571 is replaced by valine, an amino acid with highly similar properties. This amino acid position is highly conserved in available vertebrate species. In addition, the in silico prediction for this alteration is inconclusive. Since supporting evidence is limited at this time, the clinical significance of this alteration remains unclear.

Labcorp Genetics (formerly Invitae), Labcorp
Classification: Uncertain significance for Gastrointestinal stromal tumor. Last evaluated: 2025-01-13. Review status: criteria provided, single submitter. Criteria: Invitae Variant Classification Sherloc (09022015). Collection method: clinical testing. Allele origin: germline.
Comment: This sequence change replaces isoleucine, which is neutral and non-polar, with valine, which is neutral and non-polar, at codon 571 of the KIT protein (p.Ile571Val). This variant is present in population databases (rs587778431, gnomAD 0.01%). This variant has not been reported in the literature in individuals affected with KIT-related conditions. ClinVar contains an entry for this variant (Variation ID: 134622). An algorithm developed to predict the effect of missense changes on protein structure and function (PolyPhen-2) suggests that this variant is likely to be disruptive. In summary, the available evidence is currently insufficient to determine the role of this variant in disease. Therefore, it has been classified as a Variant of Uncertain Significance.

Baylor Genetics
Classification: Uncertain significance for Gastrointestinal stromal tumor. Last evaluated: 2024-01-03. Review status: criteria provided, single submitter. Criteria: ACMG Guidelines, 2015. Collection method: clinical testing. Allele origin: unknown.

ITMI
No classification provided. Condition: AllHighlyPenetrant. Last evaluated: 2013-09-19. Review status: no classification provided. Collection method: reference population. Allele origin: germline. Not counted in ClinVar's aggregate classification.
Comment: Please see associated publication for description of ethnicities

Literature cited by the submitters: PubMed 24728327 (cited by ITMI).

NM_000222.3(KIT):c.1711A>G (p.Ile571Val)

Gene: KIT (KIT proto-oncogene, receptor tyrosine kinase; plus strand). Cytogenetic location: 4q12.
Variant type: single nucleotide variant.
Coding change: c.1711A>G on transcript NM_000222.3 (MANE Select); coding-DNA position 1711, A replaced by G.
Protein change: p.Ile571Val; replaces isoleucine 571 with valine.
Molecular consequence: missense variant.
Genome position (GRCh38, 1-based): chr4:54,727,479, A>G. VCF-style: chr4-54727479-A-G. GRCh37 (hg19) VCF-style: chr4-55593645-A-G.
Other names: c.1699A>G, p.Ile567Val (NM_001093772.2, NM_001385286.1); c.1714A>G, p.Ile572Val (NM_001385284.1, NM_001385290.1); c.1711A>G, p.Ile571Val (NM_001385285.1); c.1702A>G, p.Ile568Val (NM_001385288.1, NM_001385292.1); short protein forms I571V, I567V, I568V, I572V.
Identifiers: ClinVar variation 134622 (VCV000134622.13), dbSNP rs587778431, ClinGen allele CA160353.
Genomic context (GRCh38, chr4:54,727,479, plus strand): 5'-CCCATGTATGAAGTACAGTGGAAGGTTGTTGAGGAGATAAATGGAAACAATTATGTTTAC[A>G]TAGACCCAACACAACTTCCTTATGATCACAAATGGGAGTTTCCCAGAAACAGGCTGAGTT-3'
Protein context (NP_000213.1, residues 561-581): EEINGNNYVY[Ile571Val]DPTQLPYDHK